The following is an entry in ClinVar:

ClinVar aggregate classification (germline): Likely benign. Review status: criteria provided, single submitter (1 of 4 stars). 2 submissions from 2 submitters: Likely benign (1). 1 of the submissions does not count toward it. Last evaluated 2024-08-01.

Conditions:
UNC13A-related disorder. Also called: UNC13A-related condition.

Allele frequency attached by ClinVar (database versions not stated): gnomAD exomes below 0.00001; gnomAD 0.00001; TOPMed 0.00002; ESP Exome Variant Server 0.00008.
gnomAD v4.1: 9 of 1,552,086 alleles (0.00058%); highest among the groups gnomAD compares: African/African-American, 0.0027%; no homozygotes.

Submissions (2):

CeGaT Center for Human Genetics Tuebingen
Classification: Likely benign. Last evaluated: 2024-08-01. Review status: criteria provided, single submitter. Criteria: CeGaT Center For Human Genetics Tuebingen Variant Classification Criteria Version 2. Collection method: clinical testing. Allele origin: germline. Affected: yes. Observed: 1 variant allele.
Comment: UNC13A: BP4, BP7

PreventionGenetics, part of Exact Sciences
Classification: Likely benign for UNC13A-related condition. Last evaluated: 2021-04-21. Review status: no assertion criteria provided. Collection method: clinical testing. Allele origin: germline. Not counted in ClinVar's aggregate classification.
Comment: This variant is classified as likely benign based on ACMG/AMP sequence variant interpretation guidelines (Richards et al. 2015 PMID: 25741868, with internal and published modifications).

NM_001080421.3(UNC13A):c.2760C>T (p.Ser920=)

Gene: UNC13A (unc-13 homolog A; minus strand). Cytogenetic location: 19p13.11.
Variant type: single nucleotide variant.
Coding change: c.2760C>T on transcript NM_001080421.3 (MANE Select); coding-DNA position 2760, C replaced by T.
Protein change: p.Ser920=; no amino-acid change (serine 920 retained).
Molecular consequence: synonymous variant.
Genome position (GRCh38, 1-based): chr19:17,640,538, G>A on the plus strand (C>T on the coding strand, the complement: UNC13A is on the minus strand). VCF-style: chr19-17640538-G-A. GRCh37 (hg19) VCF-style: chr19-17751347-G-A.
Other names: c.2754C>T, p.Ser918= (NM_001387021.1, NM_001387022.1, NM_001387023.1).
Identifiers: ClinVar variation 3031686 (VCV003031686.17), dbSNP rs371816774, ClinGen allele CA306097898.